The following is an entry in ClinVar:

ClinVar aggregate classification (germline): Pathogenic (1 of 4 stars; one submission).

Conditions:
Pyruvate carboxylase deficiency. Also called: ATAXIA WITH LACTIC ACIDOSIS II; LEIGH NECROTIZING ENCEPHALOPATHY DUE TO PYRUVATE CARBOXYLASE DEFICIENCY; LEIGH SYNDROME DUE TO PYRUVATE CARBOXYLASE DEFICIENCY; PC DEFICIENCY; Pyruvate Carboxylase Deficiency Disease. Identifiers: Orphanet 3008, MedGen C0034341, MONDO:0009949, OMIM 266150.

Submission:

Myriad Genetics, Inc.
Classification: Pathogenic for Pyruvate carboxylase deficiency. Last evaluated: 2024-09-29. Review status: criteria provided, single submitter. Criteria: Myriad Autosomal Dominant, Autosomal Recessive and X-Linked Classification Criteria (2023). Collection method: clinical testing. Allele origin: unknown.
Comment: NM_000920.3(PC):c.2903dupT(K969Efs*64) is expected to be pathogenic in the context of pyruvate carboxylase deficiency. This variant is predicted to lead to an abnormal or absent protein product due to the creation of a premature termination codon in PC, a gene where loss-of-function variants are known to be pathogenic. Please note: this variant was assessed in the context of healthy population screening.

NM_001040716.2(PC):c.2903dup (p.Lys969fs)

Gene: PC (pyruvate carboxylase; minus strand). Cytogenetic location: 11q13.2.
Variant type: Duplication.
Coding change: c.2903dup on transcript NM_001040716.2 (MANE Select); coding-DNA position 2903, one base duplicated (T; older notation c.2903dupT).
Protein change: p.Lys969fs; shifts the reading frame from lysine 969.
Molecular consequence: frameshift variant.
Genome position (GRCh38, 1-based): chr11:66,849,855, A duplicated on the plus strand (T on the coding strand, the reverse complement: PC is on the minus strand). VCF-style (leftmost placement, unchanged base first): chr11-66849854-C-CA. GRCh37 (hg19) VCF-style: chr11-66617325-C-CA.
Other names: c.2903dup, p.Lys969fs (NM_000920.4, NM_001439352.1, NM_001439353.1 and 5 more transcripts); short protein forms K969fs.
Identifiers: ClinVar variation 5013593 (VCV005013593.1).
Genomic context (GRCh38, chr11:66,849,854, plus strand): 5'-CTGCAGATCCAGGGGAGGGAGGGAGGCTCCAGGCCGCCCCTCCACCCTTGGCAGGTCCTT[C>CA]AGTACCTGGGGAGCAAAGCAGAGGATCAGTCCCAAGTCCTGCATCCAGCCCCCACCCTCA-3'